The following is an entry in ClinVar:

NM_025074.7(FRAS1):c.10595T>C (p.Ile3532Thr)

Gene: FRAS1 (Fraser extracellular matrix complex subunit 1; plus strand). Cytogenetic location: 4q21.21.
Variant type: single nucleotide variant.
Coding change: c.10595T>C on transcript NM_025074.7 (MANE Select); coding-DNA position 10595, T replaced by C.
Protein change: p.Ile3532Thr; replaces isoleucine 3532 with threonine.
Molecular consequence: missense variant.
Genome position (GRCh38, 1-based): chr4:78,521,577, T>C. VCF-style: chr4-78521577-T-C. GRCh37 (hg19) VCF-style: chr4-79442731-T-C.
Other names: short protein forms I3532T.
Identifiers: ClinVar variation 2497839 (VCV002497839.1), dbSNP rs763537741, ClinGen allele CA2979014.

ClinVar aggregate classification (germline): Uncertain significance (1 of 4 stars; one submission).

Allele frequency attached by ClinVar (database versions not stated): ExAC 0.00001; gnomAD 0.00001; gnomAD exomes 0.00001; TOPMed 0.00001.
gnomAD v4.1: 15 of 1,611,396 alleles (0.00093%); highest among the groups gnomAD compares: Non-Finnish European, 0.0013%; no homozygotes.

Submission:

GeneDx
Classification: Uncertain significance. Last evaluated: 2022-10-05. Review status: criteria provided, single submitter. Criteria: GeneDx Variant Classification Process June 2021. Collection method: clinical testing. Allele origin: germline. Affected: yes.
Comment: In silico analysis supports that this missense variant has a deleterious effect on protein structure/function; Has not been previously published as pathogenic or benign to our knowledge